The following is an entry in ClinVar:

NM_000719.7(CACNA1C):c.3454A>T (p.Ile1152Phe)

Gene: CACNA1C (calcium voltage-gated channel subunit alpha1 C; plus strand). Cytogenetic location: 12p13.33.
Variant type: single nucleotide variant.
Coding change: c.3454A>T on transcript NM_000719.7 (MANE Select); coding-DNA position 3454, A replaced by T.
Protein change: p.Ile1152Phe; replaces isoleucine 1152 with phenylalanine.
Molecular consequence: missense variant.
Genome position (GRCh38, 1-based): chr12:2,608,608, A>T. VCF-style: chr12-2608608-A-T. GRCh37 (hg19) VCF-style: chr12-2717774-A-T.
Other names: c.3514A>T, p.Ile1172Phe (NM_001129827.2, NM_001129832.2, NM_199460.4); c.3454A>T, p.Ile1152Phe (NM_001129829.2, NM_001129830.3, NM_001129831.2 and 15 more transcripts); c.3445A>T, p.Ile1149Phe (NM_001129844.2); short protein forms I1149F, I1172F, I1152F.
Identifiers: ClinVar variation 963755 (VCV000963755.5), dbSNP rs767564907, ClinGen allele CA6389235.

ClinVar aggregate classification (germline): Uncertain significance. Review status: criteria provided, multiple submitters, no conflicts (2 of 4 stars). 2 submissions from 2 submitters: Uncertain significance (2). Last evaluated 2024-08-19.

Conditions:
Cardiovascular phenotype. Identifiers: MedGen CN230736.
Long QT syndrome (LQTS). Identifiers: MedGen C0023976, MeSH D008133, MONDO:0002442. Disease mechanism: loss of function. Inheritance: Various modes of inheritance.

Allele frequency attached by ClinVar (database versions not stated): gnomAD exomes below 0.00001; ExAC 0.00001.

Submissions (2):

Ambry Genetics
Classification: Uncertain significance for Cardiovascular phenotype. Last evaluated: 2024-08-19. Review status: criteria provided, single submitter. Criteria: Ambry Variant Classification Scheme 2023. Collection method: clinical testing. Allele origin: germline.
Comment: The c.3454A>T (p.I1152F) alteration is located in exon 27 (coding exon 27) of the CACNA1C gene. This alteration results from an A to T substitution at nucleotide position 3454, causing the isoleucine (I) at amino acid position 1152 to be replaced by a phenylalanine (F). This allele was reported in one heterozygous individual in population-based cohorts in the Genome Aggregation Database (gnomAD). This variant has been reported in 1 individual with a presentation consistent with Long QT syndrome but clinical details were limited (Cazzato, 2024). This amino acid position is highly conserved in available vertebrate species. This missense alteration is located in a region that has a low rate of benign missense variation (Lek, 2016; Firth, 2009). This alteration is predicted to be deleterious by in silico analysis. Based on insufficient or conflicting evidence, the clinical significance of this alteration remains unclear.

Labcorp Genetics (formerly Invitae), Labcorp
Classification: Uncertain significance for Long QT syndrome. Last evaluated: 2022-07-06. Review status: criteria provided, single submitter. Criteria: Invitae Variant Classification Sherloc (09022015). Collection method: clinical testing. Allele origin: germline.
Comment: This sequence change replaces isoleucine, which is neutral and non-polar, with phenylalanine, which is neutral and non-polar, at codon 1152 of the CACNA1C protein (p.Ile1152Phe). This variant is present in population databases (rs767564907, gnomAD 0.006%). This variant has not been reported in the literature in individuals affected with CACNA1C-related conditions. ClinVar contains an entry for this variant (Variation ID: 963755). Algorithms developed to predict the effect of missense changes on protein structure and function are either unavailable or do not agree on the potential impact of this missense change (SIFT: "Deleterious"; PolyPhen-2: "Probably Damaging"; Align-GVGD: "Class C0"). In summary, the available evidence is currently insufficient to determine the role of this variant in disease. Therefore, it has been classified as a Variant of Uncertain Significance.

Literature cited by the submitters: PubMed 38849547 (cited by Ambry Genetics).